The following is an entry in ClinVar:

ClinVar aggregate classification (germline): Uncertain significance (1 of 4 stars; one submission).

Conditions:
Cardiovascular phenotype. Identifiers: MedGen CN230736.

Submission:

Ambry Genetics
Classification: Uncertain significance for Cardiovascular phenotype. Last evaluated: 2023-02-21. Review status: criteria provided, single submitter. Criteria: Ambry Variant Classification Scheme 2023. Collection method: clinical testing. Allele origin: germline.
Comment: The p.S404L variant (also known as c.1211C>T), located in coding exon 5 of the ALMS1 gene, results from a C to T substitution at nucleotide position 1211. The serine at codon 404 is replaced by leucine, an amino acid with dissimilar properties. This amino acid position is poorly conserved in available vertebrate species. In addition, this alteration is predicted to be tolerated by in silico analysis. Since supporting evidence is limited at this time, the clinical significance of this alteration remains unclear.

NM_001378454.1(ALMS1):c.1208C>T (p.Ser403Leu)

Gene: ALMS1 (ALMS1 centrosome and basal body associated protein; plus strand). Cytogenetic location: 2p13.1.
Variant type: single nucleotide variant.
Coding change: c.1208C>T on transcript NM_001378454.1 (MANE Select); coding-DNA position 1208, C replaced by T.
Protein change: p.Ser403Leu; replaces serine 403 with leucine.
Molecular consequence: missense variant.
Genome position (GRCh38, 1-based): chr2:73,424,873, C>T. VCF-style: chr2-73424873-C-T. GRCh37 (hg19) VCF-style: chr2-73652001-C-T.
Other names: c.1211C>T, p.Ser404Leu (NM_015120.4); short protein forms S404L, S403L.
Identifiers: ClinVar variation 2449604 (VCV002449604.2), dbSNP rs1248541208, ClinGen allele CA347261733.
Genomic context (GRCh38, chr2:73,424,873, plus strand): 5'-AAAGAAGTGACCATTTTGATGCTGCTCGTTCATATGGGCAGTATTGGACACAGGAAGATT[C>T]ATCTAAGCAGGCAGAAACATATTTAACCAGTAAGTACCCTGATTCTTTTTCAGATTCATC-3'
Protein context (NP_001365383.1, residues 393-413): SYGQYWTQED[Ser403Leu]SKQAETYLTK